The following is an entry in ClinVar:

ClinVar aggregate classification (germline): Uncertain significance. Review status: criteria provided, single submitter (1 of 4 stars). 2 submissions from 2 submitters: Uncertain significance (1). 1 of the submissions does not count toward it. Last evaluated 2025-11-24.

Conditions:
ATP8B1-related disorder. Also called: ATP8B1-related condition; ATP8B1-related disorders.
Inborn genetic diseases. Identifiers: MedGen C0950123, MeSH D030342.

Submissions (2):

Ambry Genetics
Classification: Uncertain significance for Inborn genetic diseases. Last evaluated: 2025-11-24. Review status: criteria provided, single submitter. Criteria: Ambry Variant Classification Scheme 2023. Collection method: clinical testing. Allele origin: germline.

PreventionGenetics, part of Exact Sciences
Classification: Uncertain significance for ATP8B1-related condition. Last evaluated: 2024-05-17. Review status: no assertion criteria provided. Collection method: clinical testing. Allele origin: germline. Not counted in ClinVar's aggregate classification.
Comment: The ATP8B1 c.3341T>C variant is predicted to result in the amino acid substitution p.Met1114Thr. To our knowledge, this variant has not been reported in the literature. This variant is reported in 0.0018% of alleles in individuals of European (Non-Finnish) descent in gnomAD. At this time, the clinical significance of this variant is uncertain due to the absence of conclusive functional and genetic evidence.

NM_001374385.1(ATP8B1):c.3341T>C (p.Met1114Thr)

Genes: ATP8B1 (ATPase phospholipid transporting 8B1; minus strand), ATP8B1-AS1 (ATP8B1 antisense RNA 1; plus strand). Cytogenetic location: 18q21.31.
Variant type: single nucleotide variant.
Coding change: c.3341T>C on transcript NM_001374385.1 (MANE Select); coding-DNA position 3341, T replaced by C.
Protein change: p.Met1114Thr; replaces methionine 1114 with threonine.
Molecular consequence: missense variant.
Genome position (GRCh38, 1-based): chr18:57,652,093, A>G on the plus strand (T>C on the coding strand, the complement: ATP8B1 is on the minus strand). VCF-style: chr18-57652093-A-G. GRCh37 (hg19) VCF-style: chr18-55319325-A-G.
Other names: c.3191T>C, p.Met1064Thr (NM_001374386.1); c.3341T>C, p.Met1114Thr (NM_005603.6); short protein forms M1064T, M1114T.
Identifiers: ClinVar variation 3354007 (VCV003354007.2).
Genomic context (GRCh38, chr18:57,652,093, plus strand): 5'-CCTGTAAATTGAAATGCAGATGGAAAGAGAACATGTATTCCAGCACTATGAAAGTCAAAC[A>G]TGATGCCAAAATAAAGTGCAATGCTTCCAAAAATTGAAAAAGCATTCACAAAAGTCCAAT-3'
Protein context (NP_001361314.1, residues 1104-1124): FGSIALYFGI[Met1114Thr]FDFHSAGIHV